The following is an entry in ClinVar:

ClinVar aggregate classification (germline): Uncertain significance (1 of 4 stars; one submission).

Conditions:
Melanoma, cutaneous malignant, susceptibility to, 5. Also called: Cutaneous malignant melanoma 5. Identifiers: Orphanet 618, MedGen C2751295, MONDO:0013133, OMIM 613099.

gnomAD v4.1: 1 of 1,613,950 alleles (0.000062%); highest among the groups gnomAD compares: African/African-American, 0.0013%; no homozygotes.

Submission:

Labcorp Genetics (formerly Invitae), Labcorp
Classification: Uncertain significance for Melanoma, cutaneous malignant, susceptibility to, 5. Last evaluated: 2022-05-14. Review status: criteria provided, single submitter. Criteria: Invitae Variant Classification Sherloc (09022015). Collection method: clinical testing. Allele origin: germline.
Comment: In summary, the available evidence is currently insufficient to determine the role of this variant in disease. Therefore, it has been classified as a Variant of Uncertain Significance. Algorithms developed to predict the effect of missense changes on protein structure and function are either unavailable or do not agree on the potential impact of this missense change (SIFT: "Deleterious"; PolyPhen-2: "Benign"; Align-GVGD: "Class C15"). This variant has not been reported in the literature in individuals affected with MC1R-related conditions. This variant is not present in population databases (gnomAD no frequency). This sequence change replaces phenylalanine, which is neutral and non-polar, with leucine, which is neutral and non-polar, at codon 283 of the MC1R protein (p.Phe283Leu).

NM_002386.4(MC1R):c.847T>C (p.Phe283Leu)

Gene: MC1R (melanocortin 1 receptor; plus strand). Cytogenetic location: 16q24.3.
Variant type: single nucleotide variant.
Coding change: c.847T>C on transcript NM_002386.4 (MANE Select); coding-DNA position 847, T replaced by C.
Protein change: p.Phe283Leu; replaces phenylalanine 283 with leucine.
Molecular consequence: missense variant.
Genome position (GRCh38, 1-based): chr16:89,920,105, T>C. VCF-style: chr16-89920105-T-C. GRCh37 (hg19) VCF-style: chr16-89986513-T-C.
Other names: short protein forms F283L.
Identifiers: ClinVar variation 2138814 (VCV002138814.4), dbSNP rs990355156, ClinGen allele CA286607688.